The following is an entry in ClinVar:

NM_000153.4(GALC):c.1350C>T (p.Ser450=)

Gene: GALC (galactosylceramidase; minus strand). Cytogenetic location: 14q31.3.
Variant type: single nucleotide variant.
Coding change: c.1350C>T on transcript NM_000153.4 (MANE Select); coding-DNA position 1350, C replaced by T.
Protein change: p.Ser450=; no amino-acid change (serine 450 retained).
Molecular consequence: synonymous variant.
Genome position (GRCh38, 1-based): chr14:87,947,867, G>A on the plus strand (C>T on the coding strand, the complement: GALC is on the minus strand). VCF-style: chr14-87947867-G-A. GRCh37 (hg19) VCF-style: chr14-88414211-G-A.
Other names: c.1281C>T, p.Ser427= (NM_001201401.2); c.1272C>T, p.Ser424= (NM_001201402.2).
Identifiers: ClinVar variation 92494 (VCV000092494.29), dbSNP rs398076, ClinGen allele CA145800.

ClinVar aggregate classification (germline): Benign. Review status: criteria provided, multiple submitters, no conflicts (2 of 4 stars). 13 submissions from 13 submitters: Benign (8). 5 of the submissions do not count toward it. Last evaluated 2026-02-04.

Conditions:
Galactosylceramide beta-galactosidase deficiency. Also called: GALACTOCEREBROSIDASE DEFICIENCY; GALC DEFICIENCY; Leukodystrophy, Globoid Cell; Krabbe Disease; GLOBOID CELL LEUKOENCEPHALOPATHY. Identifiers: Orphanet 487, MedGen C0023521, MONDO:0009499, OMIM 245200.

Allele frequency attached by ClinVar (database versions not stated): 1000 Genomes Project 0.36661; 1000 Genomes Project 30x 0.36743; gnomAD exomes 0.36771 and 0.39240; ExAC 0.37337; TOPMed 0.38975; gnomAD 0.39608 and 0.39907; ESP Exome Variant Server 0.40831.

Submissions (13):

Labcorp Genetics (formerly Invitae), Labcorp
Classification: Benign for Galactosylceramide beta-galactosidase deficiency. Last evaluated: 2026-02-04. Review status: criteria provided, single submitter. Criteria: Invitae Variant Classification Sherloc (09022015). Collection method: clinical testing. Allele origin: germline.

Blueprint Genetics
Classification: Benign. Last evaluated: 2024-11-27. Review status: criteria provided, single submitter. Criteria: ACMG Guidelines, 2015. Collection method: clinical testing. Allele origin: germline.

Genome-Nilou Lab
Classification: Benign for Galactosylceramide beta-galactosidase deficiency. Last evaluated: 2021-07-01. Review status: criteria provided, single submitter. Criteria: ACMG Guidelines, 2015. Collection method: clinical testing. Allele origin: germline. Affected: no.

Illumina Laboratory Services, Illumina
Classification: Benign for Galactosylceramide beta-galactosidase deficiency. Last evaluated: 2018-01-13. Review status: criteria provided, single submitter. Criteria: ICSL Variant Classification Criteria 13 December 2019. Collection method: clinical testing. Allele origin: germline.
Comment: This variant was observed in the ICSL laboratory as part of a predisposition screen in an ostensibly healthy population. It had not been previously curated by ICSL or reported in the Human Gene Mutation Database (HGMD: prior to June 1st, 2018), and was therefore a candidate for classification through an automated scoring system. Utilizing variant allele frequency, disease prevalence and penetrance estimates, and inheritance mode, an automated score was calculated to assess if this variant is too frequent to cause the disease. Based on the score and internal cut-off values, a variant classified as benign is not then subjected to further curation. The score for this variant resulted in a classification of benign for this disease.

Eurofins Ntd Llc (ga)
Classification: Benign. Last evaluated: 2015-10-27. Review status: criteria provided, single submitter. Criteria: EGL Classification Definitions 2015. Collection method: clinical testing. Allele origin: germline. Observed: 73 variant alleles, 41 heterozygotes, 32 homozygotes.

GeneDx
Classification: Benign. Last evaluated: 2015-03-03. Review status: criteria provided, single submitter. Criteria: GeneDx Variant Classification Process June 2021. Collection method: clinical testing. Allele origin: germline. Affected: yes.

Breakthrough Genomics
Classification: Benign. Review status: criteria provided, single submitter. Criteria: ACMG Guidelines, 2015. Collection method: not provided. Allele origin: germline. Inheritance: Autosomal recessive inheritance. Affected: yes.

PreventionGenetics, part of Exact Sciences
Classification: Benign. Review status: criteria provided, single submitter. Criteria: ACMG Guidelines, 2015. Collection method: clinical testing. Allele origin: germline.

Natera, Inc.
Classification: Benign for Galactosylceramide beta-galactosidase deficiency. Last evaluated: 2019-11-19. Review status: no assertion criteria provided. Collection method: clinical testing. Allele origin: germline. Not counted in ClinVar's aggregate classification.

Mayo Clinic Laboratories, Mayo Clinic
Classification: Benign. Last evaluated: 2015-10-22. Review status: no assertion criteria provided. Collection method: clinical testing. Allele origin: unknown. Not counted in ClinVar's aggregate classification.

Clinical Genetics DNA and cytogenetics Diagnostics Lab, Erasmus MC, Erasmus Medical Center
Classification: Benign. Review status: no assertion criteria provided. Collection method: clinical testing. Allele origin: germline. Affected: yes. Study: VKGL Data-share Consensus. Not counted in ClinVar's aggregate classification.

Clinical Genetics, Academic Medical Center
Classification: Benign. Review status: no assertion criteria provided. Collection method: clinical testing. Allele origin: germline. Affected: yes. Study: VKGL Data-share Consensus. Not counted in ClinVar's aggregate classification.

Diagnostic Laboratory, Department of Genetics, University Medical Center Groningen
Classification: Benign for Galactosylceramide beta-galactosidase deficiency. Review status: no assertion criteria provided. Collection method: clinical testing. Allele origin: germline. Affected: yes. Study: VKGL Data-share Consensus. Not counted in ClinVar's aggregate classification.